The following is an entry in ClinVar:

ClinVar aggregate classification (germline): Likely pathogenic. Review status: criteria provided, multiple submitters, no conflicts (2 of 4 stars). 4 submissions from 4 submitters: Likely pathogenic (4). Last evaluated 2024-04-26.

Conditions:
Pontocerebellar hypoplasia type 6 (PCH6). Identifiers: Orphanet 166073, MedGen C1969084, MONDO:0012683, OMIM 611523.

Allele frequency attached by ClinVar (database versions not stated): gnomAD exomes below 0.00001; TOPMed below 0.00001; gnomAD 0.00001.
gnomAD v4.1: 3 of 1,598,798 alleles (0.00019%); highest among the groups gnomAD compares: Non-Finnish European, 0.00026%; no homozygotes.

Submissions (4):

Fulgent Genetics
Classification: Likely pathogenic for Pontocerebellar hypoplasia type 6. Last evaluated: 2024-04-26. Review status: criteria provided, single submitter. Criteria: ACMG Guidelines, 2015. Collection method: clinical testing. Allele origin: germline.

Natera, Inc.
Classification: Likely pathogenic for Pontocerebellar hypoplasia, type 6. Last evaluated: 2024-03-04. Review status: criteria provided, single submitter. Criteria: Natera Variant Classification Schema (03/2026). Collection method: clinical testing. Allele origin: germline.
Comment: The c.111-2A>G variant in RARS2 is a canonical splice acceptor site variant predicted to affect pre-mRNA splicing, which may result in an abnormal transcript and altered protein product. This variant is expected to result in nonsense mediated decay, truncation, or a dysfunctional protein product. This variant is rare in the general population with a frequency below the threshold expected for the associated phenotype(s). Given the available evidence, this variant is classified as Likely Pathogenic.

Labcorp Genetics (formerly Invitae), Labcorp
Classification: Likely pathogenic. Last evaluated: 2023-11-17. Review status: criteria provided, single submitter. Criteria: Invitae Variant Classification Sherloc (09022015). Collection method: clinical testing. Allele origin: germline.
Comment: This sequence change affects an acceptor splice site in intron 2 of the RARS2 gene. It is expected to disrupt RNA splicing. Variants that disrupt the donor or acceptor splice site typically lead to a loss of protein function (PMID: 16199547), and loss-of-function variants in RARS2 are known to be pathogenic (PMID: 17847012, 22569581, 26083569). This variant is not present in population databases (gnomAD no frequency). This variant has not been reported in the literature in individuals affected with RARS2-related conditions. Algorithms developed to predict the effect of sequence changes on RNA splicing suggest that this variant may disrupt the consensus splice site. In summary, the currently available evidence indicates that the variant is pathogenic, but additional data are needed to prove that conclusively. Therefore, this variant has been classified as Likely Pathogenic.

Baylor Genetics
Classification: Likely pathogenic for Pontocerebellar hypoplasia type 6. Last evaluated: 2022-04-12. Review status: criteria provided, single submitter. Criteria: ACMG Guidelines, 2015. Collection method: clinical testing. Allele origin: unknown.

Literature cited by the submitters: PubMed 16199547 (cited by Labcorp Genetics (formerly Invitae), Labcorp); PubMed 17847012 (cited by Labcorp Genetics (formerly Invitae), Labcorp); PubMed 22569581 (cited by Labcorp Genetics (formerly Invitae), Labcorp); PubMed 26083569 (cited by Labcorp Genetics (formerly Invitae), Labcorp).

NM_020320.5(RARS2):c.111-2A>G

Gene: RARS2 (arginyl-tRNA synthetase 2, mitochondrial; minus strand). Cytogenetic location: 6q15.
Variant type: single nucleotide variant.
Coding change: c.111-2A>G on transcript NM_020320.5 (MANE Select); the canonical splice acceptor site of the intron before coding-DNA position 111, A replaced by G.
Molecular consequence: splice acceptor variant.
Genome position (GRCh38, 1-based): chr6:87,564,234, T>C on the plus strand (A>G on the coding strand, the complement: RARS2 is on the minus strand). VCF-style: chr6-87564234-T-C. GRCh37 (hg19) VCF-style: chr6-88273952-T-C.
Other names: c.111-2A>G (NM_001350505.2, NM_020320.4); c.-359-2A>G (NM_001350509.2, NM_001318785.2); c.-415-2A>G (NM_001350506.2, NM_001350510.2, NM_001350511.2 and 1 more transcripts); c.-577-2A>G (NM_001350508.2).
Identifiers: ClinVar variation 2678276 (VCV002678276.6), dbSNP rs929628076, ClinGen allele CA142877637.